The following is an entry in ClinVar:

ClinVar aggregate classification (germline): Uncertain significance (1 of 4 stars; one submission).

Allele frequency attached by ClinVar (database versions not stated): gnomAD 0.00004; TOPMed 0.00005.
gnomAD v4.1: 50 of 1,611,836 alleles (0.0031%); highest among the groups gnomAD compares: Admixed American, 0.0083%; 1 homozygote.

Submission:

Labcorp Genetics (formerly Invitae), Labcorp
Classification: Uncertain significance. Last evaluated: 2022-10-02. Review status: criteria provided, single submitter. Criteria: Invitae Variant Classification Sherloc (09022015). Collection method: clinical testing. Allele origin: germline.
Comment: In summary, the available evidence is currently insufficient to determine the role of this variant in disease. Therefore, it has been classified as a Variant of Uncertain Significance. Algorithms developed to predict the effect of sequence changes on RNA splicing suggest that this variant may create or strengthen a splice site. Advanced modeling of protein sequence and biophysical properties (such as structural, functional, and spatial information, amino acid conservation, physicochemical variation, residue mobility, and thermodynamic stability) performed at Invitae indicates that this missense variant is expected to disrupt CAPN5 protein function. This variant has not been reported in the literature in individuals affected with CAPN5-related conditions. This variant is present in population databases (rs782133997, gnomAD 0.05%). This sequence change replaces serine, which is neutral and polar, with leucine, which is neutral and non-polar, at codon 88 of the CAPN5 protein (p.Ser88Leu).

NM_004055.5(CAPN5):c.263C>T (p.Ser88Leu)

Gene: CAPN5 (calpain 5; plus strand). Cytogenetic location: 11q13.5.
Variant type: single nucleotide variant.
Coding change: c.263C>T on transcript NM_004055.5 (MANE Select); coding-DNA position 263, C replaced by T.
Protein change: p.Ser88Leu; replaces serine 88 with leucine.
Molecular consequence: missense variant.
Genome position (GRCh38, 1-based): chr11:77,093,779, C>T. VCF-style: chr11-77093779-C-T. GRCh37 (hg19) VCF-style: chr11-76804825-C-T.
Other names: short protein forms S88L.
Identifiers: ClinVar variation 2070202 (VCV002070202.4), dbSNP rs782133997, ClinGen allele CA6196212.